The following is an entry in ClinVar:

ClinVar aggregate classification (germline): Uncertain significance (1 of 4 stars; one submission).

Conditions:
Hereditary cancer-predisposing syndrome. Also called: Neoplastic Syndromes, Hereditary; Tumor predisposition; Hereditary Cancer Syndrome; Hereditary neoplastic syndrome. Identifiers: Orphanet 140162, MedGen C0027672, MeSH D009386, MONDO:0015356.

Submission:

Ambry Genetics
Classification: Uncertain significance for Hereditary cancer-predisposing syndrome. Last evaluated: 2025-10-29. Review status: criteria provided, single submitter. Criteria: Ambry Variant Classification Scheme 2023. Collection method: clinical testing. Allele origin: germline.
Comment: The p.S1314C variant (also known as c.3941C>G), located in coding exon 27 of the ALK gene, results from a C to G substitution at nucleotide position 3941. The serine at codon 1314 is replaced by cysteine, an amino acid with dissimilar properties. This alteration was identified in 0/1358 non-cancer control individuals and in 1/57 cases, in a study looking at cancer predisposition mutations in patients with cutaneous melanoma and a history of at least two additional non-cutaneous melanoma primary cancers (Pritchard AL et al. PLoS One, 2018 Apr;13:e0194098). This amino acid position is highly conserved in available vertebrate species. In addition, this alteration is predicted to be deleterious by in silico analysis. Since supporting evidence is limited at this time, the clinical significance of this alteration remains unclear.

Literature cited by the submitters: PubMed 29641532.

NM_004304.5(ALK):c.3941C>G (p.Ser1314Cys)

Gene: ALK (ALK receptor tyrosine kinase; minus strand). Cytogenetic location: 2p23.2.
Variant type: single nucleotide variant.
Coding change: c.3941C>G on transcript NM_004304.5 (MANE Select); coding-DNA position 3941, C replaced by G.
Protein change: p.Ser1314Cys; replaces serine 1314 with cysteine.
Molecular consequence: missense variant.
Genome position (GRCh38, 1-based): chr2:29,197,674, G>C on the plus strand (C>G on the coding strand, the complement: ALK is on the minus strand). VCF-style: chr2-29197674-G-C. GRCh37 (hg19) VCF-style: chr2-29420540-G-C.
Other names: c.737C>G, p.Ser246Cys (NM_001353765.2); short protein forms S246C, S1314C.
Identifiers: ClinVar variation 1736358 (VCV001736358.3), dbSNP rs2465883016, ClinGen allele CA346466530.